The following is an entry in ClinVar:

ClinVar aggregate classification (germline): Uncertain significance (1 of 4 stars; one submission).

Conditions:
Familial thoracic aortic aneurysm and aortic dissection (TAAD). Also called: Thoracic aortic aneurysms and dissections. Identifiers: Orphanet 91387, MedGen C4707243, MONDO:0019625.

Allele frequency attached by ClinVar (database versions not stated): gnomAD exomes below 0.00001; ExAC 0.00001; TOPMed 0.00002.
gnomAD v4.1: 3 of 1,613,662 alleles (0.00019%); highest among the groups gnomAD compares: Admixed American, 0.0033%; no homozygotes.

Submission:

Ambry Genetics
Classification: Uncertain significance for Familial thoracic aortic aneurysm and aortic dissection. Last evaluated: 2022-07-05. Review status: criteria provided, single submitter. Criteria: Ambry Variant Classification Scheme 2023. Collection method: clinical testing. Allele origin: germline.
Comment: The p.P789R variant (also known as c.2366C>G), located in coding exon 27 of the COL5A1 gene, results from a C to G substitution at nucleotide position 2366. The proline at codon 789 is replaced by arginine, an amino acid with dissimilar properties. This amino acid position is highly conserved in available vertebrate species. In addition, the in silico prediction for this alteration is inconclusive. Since supporting evidence is limited at this time, the clinical significance of this alteration remains unclear.

NM_000093.5(COL5A1):c.2366C>G (p.Pro789Arg)

Gene: COL5A1 (collagen type V alpha 1 chain; plus strand). Cytogenetic location: 9q34.3.
Variant type: single nucleotide variant.
Coding change: c.2366C>G on transcript NM_000093.5 (MANE Select); coding-DNA position 2366, C replaced by G.
Protein change: p.Pro789Arg; replaces proline 789 with arginine.
Molecular consequence: missense variant.
Genome position (GRCh38, 1-based): chr9:134,774,893, C>G. VCF-style: chr9-134774893-C-G. GRCh37 (hg19) VCF-style: chr9-137666739-C-G.
Other names: c.2366C>G, p.Pro789Arg (NM_001278074.1); short protein forms P789R.
Identifiers: ClinVar variation 1790217 (VCV001790217.2), dbSNP rs747909981, ClinGen allele CA5319296.